The following is an entry in ClinVar:

NM_001105206.3(LAMA4):c.404C>T (p.Pro135Leu)

Gene: LAMA4 (laminin subunit alpha 4; minus strand). Cytogenetic location: 6q21.
Variant type: single nucleotide variant.
Coding change: c.404C>T on transcript NM_001105206.3 (MANE Select); coding-DNA position 404, C replaced by T.
Protein change: p.Pro135Leu; replaces proline 135 with leucine.
Molecular consequence: missense variant.
Genome position (GRCh38, 1-based): chr6:112,207,039, G>A on the plus strand (C>T on the coding strand, the complement: LAMA4 is on the minus strand). VCF-style: chr6-112207039-G-A. GRCh37 (hg19) VCF-style: chr6-112528240-G-A.
Other names: c.404C>T, p.Pro135Leu (NM_001105207.3, NM_002290.5); short protein forms P135L.
Identifiers: ClinVar variation 4881177 (VCV004881177.2).

ClinVar aggregate classification (germline): Uncertain significance (1 of 4 stars; one submission).

gnomAD v4.1: 8 of 1,613,882 alleles (0.0005%); highest among the groups gnomAD compares: Non-Finnish European, 0.00068%; no homozygotes.

Submission:

Dasa
Classification: Uncertain significance. Last evaluated: 2026-02-03. Review status: criteria provided, single submitter. Criteria: DASA Assertion Criteria. Collection method: clinical testing. Allele origin: germline.
Comment: NM_001105206.3(LAMA4):c.404C>T (p.Pro135Leu) is a missense variant that results in the substitution of proline with leucine. This variant is rare in population databases. The currently available literature and clinical evidence are not sufficient to establish a definitive association between this variant and the reported condition. Therefore, this variant is classified as a variant of uncertain significance.